The following is an entry in ClinVar:

ClinVar aggregate classification (germline): Uncertain significance. Review status: criteria provided, multiple submitters, no conflicts (2 of 4 stars). 4 submissions from 4 submitters: Uncertain significance (4). Last evaluated 2024-05-12.

Conditions:
Inborn genetic diseases. Identifiers: MedGen C0950123, MeSH D030342.
Donnai-Barrow syndrome. Also called: DBS/FOAR SYNDROME; FACIOOCULOACOUSTICORENAL SYNDROME. Identifiers: Orphanet 2143, MedGen C1857277, MONDO:0009104, OMIM 222448.

Allele frequency attached by ClinVar (database versions not stated): ExAC 0.00001; gnomAD exomes 0.00001 and 0.00002.
gnomAD v4.1: 36 of 1,614,040 alleles (0.0022%); highest among the groups gnomAD compares: Non-Finnish European, 0.0027%; no homozygotes.

Submissions (4):

Fulgent Genetics
Classification: Uncertain significance for Donnai-Barrow syndrome. Last evaluated: 2024-05-12. Review status: criteria provided, single submitter. Criteria: ACMG Guidelines, 2015. Collection method: clinical testing. Allele origin: germline.

Labcorp Genetics (formerly Invitae), Labcorp
Classification: Uncertain significance. Last evaluated: 2022-07-03. Review status: criteria provided, single submitter. Criteria: Invitae Variant Classification Sherloc (09022015). Collection method: clinical testing. Allele origin: germline.
Comment: This sequence change replaces glutamine, which is neutral and polar, with lysine, which is basic and polar, at codon 3516 of the LRP2 protein (p.Gln3516Lys). This variant is present in population databases (rs763375364, gnomAD 0.0009%). This variant has not been reported in the literature in individuals affected with LRP2-related conditions. ClinVar contains an entry for this variant (Variation ID: 1413856). Advanced modeling of protein sequence and biophysical properties (such as structural, functional, and spatial information, amino acid conservation, physicochemical variation, residue mobility, and thermodynamic stability) performed at Invitae indicates that this missense variant is expected to disrupt LRP2 protein function. In summary, the available evidence is currently insufficient to determine the role of this variant in disease. Therefore, it has been classified as a Variant of Uncertain Significance.

Ambry Genetics
Classification: Uncertain significance for Inborn genetic diseases. Last evaluated: 2022-01-18. Review status: criteria provided, single submitter. Criteria: Ambry Variant Classification Scheme 2023. Collection method: clinical testing. Allele origin: germline.

Blueprint Genetics
Classification: Uncertain significance. Last evaluated: 2020-02-13. Review status: criteria provided, single submitter. Criteria: ACMG Guidelines, 2015. Collection method: clinical testing. Allele origin: germline.

NM_004525.3(LRP2):c.10546C>A (p.Gln3516Lys)

Gene: LRP2 (LDL receptor related protein 2; minus strand). Cytogenetic location: 2q31.1.
Variant type: single nucleotide variant.
Coding change: c.10546C>A on transcript NM_004525.3 (MANE Select); coding-DNA position 10546, C replaced by A.
Protein change: p.Gln3516Lys; replaces glutamine 3516 with lysine.
Molecular consequence: missense variant.
Genome position (GRCh38, 1-based): chr2:169,176,436, G>T on the plus strand (C>A on the coding strand, the complement: LRP2 is on the minus strand). VCF-style: chr2-169176436-G-T. GRCh37 (hg19) VCF-style: chr2-170032946-G-T.
Other names: c.10546C>A (NM_004525.2); short protein forms Q3516K.
Identifiers: ClinVar variation 1413856 (VCV001413856.8), dbSNP rs763375364, ClinGen allele CA1953332.
Genomic context (GRCh38, chr2:169,176,436, plus strand): 5'-GAGAGGCACTGAGGAGAGGGGAAAGAGAGCCTTACTTTTCATTGTTAGCGCACAGGAACT[G>T]GGTGCTGGAGCACATGGGCATGCAGTAGGTGCTGCCACTCAGCTGAAGGGTGCGGAAGTC-3'
Protein context (NP_004516.2, residues 3506-3526): TYCMPMCSST[Gln3516Lys]FLCANNEKCI